The following is an entry in ClinVar:

ClinVar aggregate classification (germline): Likely benign. Review status: criteria provided, multiple submitters, no conflicts (2 of 4 stars). 2 submissions from 2 submitters: Likely benign (2). Last evaluated 2025-08-11.

Conditions:
HLTF-related disorder. Also called: HLTF-related condition.

Allele frequency attached by ClinVar (database versions not stated): 1000 Genomes Project 0.00180; ESP Exome Variant Server 0.00200; gnomAD 0.00200; 1000 Genomes Project 30x 0.00219.
gnomAD v4.1: 610 of 1,613,510 alleles (0.038%); highest among the groups gnomAD compares: African/African-American, 0.7%; 6 homozygotes.

Submissions (2):

PreventionGenetics, part of Exact Sciences
Classification: Likely benign for HLTF-related condition. Last evaluated: 2025-08-11. Review status: criteria provided, single submitter. Criteria: ACMG Guidelines, 2015. Collection method: clinical testing. Allele origin: germline.
Comment: This variant is classified as likely benign based on ACMG/AMP sequence variant interpretation guidelines (Richards et al. 2015 PMID: 25741868, with internal and published modifications).

CeGaT Center for Human Genetics Tuebingen
Classification: Likely benign. Last evaluated: 2022-06-01. Review status: criteria provided, single submitter. Criteria: CeGaT Center For Human Genetics Tuebingen Variant Classification Criteria Version 2. Collection method: clinical testing. Allele origin: germline. Affected: yes. Observed: 1 variant allele.
Comment: HLTF: BP4, BP7

NM_003071.4(HLTF):c.477G>A (p.Ala159=)

Gene: HLTF (helicase like transcription factor; minus strand). Cytogenetic location: 3q24.
Variant type: single nucleotide variant.
Coding change: c.477G>A on transcript NM_003071.4 (MANE Select); coding-DNA position 477, G replaced by A.
Protein change: p.Ala159=; no amino-acid change (alanine 159 retained).
Molecular consequence: synonymous variant.
Genome position (GRCh38, 1-based): chr3:149,074,267, C>T on the plus strand (G>A on the coding strand, the complement: HLTF is on the minus strand). VCF-style: chr3-149074267-C-T. GRCh37 (hg19) VCF-style: chr3-148792054-C-T.
Other names: c.477G>A (NM_001318935.1); c.477G>A, p.Ala159= (NM_001318934.2, NM_001318935.2, NM_139048.3).
Identifiers: ClinVar variation 2654214 (VCV002654214.25), dbSNP rs79808266, ClinGen allele CA2659555.